The following is an entry in ClinVar:

NM_000100.4(CSTB):c.54C>T (p.His18=)

Genes: CSTB (cystatin B; minus strand), LOC130066788 (ATAC-STARR-seq lymphoblastoid silent region 13368; plus strand). Cytogenetic location: 21q22.3.
Variant type: single nucleotide variant.
Coding change: c.54C>T on transcript NM_000100.4 (MANE Select); coding-DNA position 54, C replaced by T.
Protein change: p.His18=; no amino-acid change (histidine 18 retained).
Molecular consequence: synonymous variant.
Genome position (GRCh38, 1-based): chr21:43,776,216, G>A on the plus strand (C>T on the coding strand, the complement: CSTB is on the minus strand). VCF-style: chr21-43776216-G-A. GRCh37 (hg19) VCF-style: chr21-45196097-G-A.
Other names: p.H18H:CAC>CAT.
Identifiers: ClinVar variation 205325 (VCV000205325.15), dbSNP rs557717323, ClinGen allele CA314283.

ClinVar aggregate classification (germline): Benign/Likely benign. Review status: criteria provided, multiple submitters, no conflicts (2 of 4 stars). 4 submissions from 4 submitters: Benign (1); Likely benign (3). Last evaluated 2026-06-05.

Conditions:
CSTB-related disorder. Also called: CSTB-related condition.
Inborn genetic diseases. Identifiers: MedGen C0950123, MeSH D030342.
Progressive myoclonic epilepsy. Also called: Myoclonic Epilepsies, Progressive; Familial progressive myoclonic epilepsy; Myoclonus epilepsy; Progressive myoclonus epilepsy. Identifiers: Orphanet 308, Orphanet 98261, MedGen C0751778, MONDO:0020074.

Allele frequency attached by ClinVar (database versions not stated): gnomAD exomes 0.00005 and 0.00012; ExAC 0.00033; 1000 Genomes Project 0.00060; gnomAD 0.00065 and 0.00073; TOPMed 0.00066; 1000 Genomes Project 30x 0.00078.
gnomAD v4.1: 166 of 1,533,076 alleles (0.011%); highest among the groups gnomAD compares: African/African-American, 0.2%; no homozygotes.

Submissions (4):

PreventionGenetics, part of Exact Sciences
Classification: Likely benign for CSTB-related condition. Last evaluated: 2026-06-05. Review status: criteria provided, single submitter. Criteria: ACMG Guidelines, 2015. Collection method: clinical testing. Allele origin: germline.
Comment: This variant is classified as likely benign based on ACMG/AMP sequence variant interpretation guidelines (Richards et al. 2015 PMID: 25741868, with internal and published modifications).

Labcorp Genetics (formerly Invitae), Labcorp
Classification: Likely benign for Progressive myoclonic epilepsy. Last evaluated: 2026-01-05. Review status: criteria provided, single submitter. Criteria: Invitae Variant Classification Sherloc (09022015). Collection method: clinical testing. Allele origin: germline.

Ambry Genetics
Classification: Likely benign for Inborn genetic diseases. Last evaluated: 2019-03-29. Review status: criteria provided, single submitter. Criteria: Ambry Variant Classification Scheme 2023. Collection method: clinical testing. Allele origin: germline.

GeneDx
Classification: Benign. Last evaluated: 2014-12-12. Review status: criteria provided, single submitter. Criteria: GeneDx Variant Classification (06012015). Collection method: clinical testing. Allele origin: germline. Affected: yes.
Comment: This variant is considered likely benign or benign based on one or more of the following criteria: it is a conservative change, it occurs at a poorly conserved position in the protein, it is predicted to be benign by multiple in silico algorithms, and/or has population frequency not consistent with disease.